The following is an entry in ClinVar:

ClinVar aggregate classification (germline): Uncertain significance. Review status: criteria provided, multiple submitters, no conflicts (2 of 4 stars). 4 submissions from 4 submitters: Uncertain significance (4). Last evaluated 2026-01-13.

Conditions:
Osteogenesis imperfecta type I (OI1). Also called: Osteogenesis imperfecta type 1; Lobstein disease; Lobstein's Disease; Classic Non-deforming Osteogenesis Imperfecta with Blue Sclerae; OI, TYPE I; OSTEOGENESIS IMPERFECTA TARDA. Identifiers: Orphanet 216796, Orphanet 666, MedGen C0023931, MONDO:0008146, OMIM 166200. Disease mechanism: loss of function.

Allele frequency attached by ClinVar (database versions not stated): TOPMed 0.00001; gnomAD exomes 0.00002; ExAC 0.00003.
gnomAD v4.1: 21 of 1,582,088 alleles (0.0013%); highest among the groups gnomAD compares: Non-Finnish European, 0.0018%; no homozygotes.

Submissions (4):

Women's Health and Genetics/Laboratory Corporation of America, LabCorp
Classification: Uncertain significance. Last evaluated: 2026-01-13. Review status: criteria provided, single submitter. Criteria: LabCorp Variant Classification Summary - May 2015. Collection method: clinical testing. Allele origin: germline.
Comment: Variant summary: COL1A1 c.696+6T>C alters a conserved nucleotide located close to a canonical splice site and therefore could affect mRNA splicing, leading to a significantly altered protein sequence. Consensus agreement among computation tools predict no significant impact on normal splicing. However, these predictions have yet to be confirmed by functional studies. The variant allele was found at a frequency of 2.2e-05 in 223742 control chromosomes, predominantly at a frequency of 4.8e-05 within the Non-Finnish European subpopulation in the gnomAD database. The available data on variant occurrences in the general population are insufficient to allow any conclusion about variant significance. To our knowledge, no occurrence of c.696+6T>C in individuals affected with COL1A1-related conditions and no experimental evidence demonstrating its impact on protein function have been reported. ClinVar contains an entry for this variant (Variation ID: 489276). Based on the evidence outlined above, the variant was classified as uncertain significance.

Labcorp Genetics (formerly Invitae), Labcorp
Classification: Uncertain significance for Osteogenesis imperfecta type I. Last evaluated: 2024-09-27. Review status: criteria provided, single submitter. Criteria: Invitae Variant Classification Sherloc (09022015). Collection method: clinical testing. Allele origin: germline.
Comment: This sequence change falls in intron 9 of the COL1A1 gene. It does not directly change the encoded amino acid sequence of the COL1A1 protein. It affects a nucleotide within the consensus splice site. This variant is present in population databases (rs747108049, gnomAD 0.005%). This variant has not been reported in the literature in individuals affected with COL1A1-related conditions. ClinVar contains an entry for this variant (Variation ID: 489276). Variants that disrupt the consensus splice site are a relatively common cause of aberrant splicing (PMID: 17576681, 9536098). Algorithms developed to predict the effect of sequence changes on RNA splicing suggest that this variant may disrupt the consensus splice site. In summary, the available evidence is currently insufficient to determine the role of this variant in disease. Therefore, it has been classified as a Variant of Uncertain Significance.

GeneDx
Classification: Uncertain significance. Last evaluated: 2023-04-05. Review status: criteria provided, single submitter. Criteria: GeneDx Variant Classification Process June 2021. Collection method: clinical testing. Allele origin: germline. Affected: yes.
Comment: Has not been previously published as pathogenic or benign to our knowledge

Blueprint Genetics
Classification: Uncertain significance. Last evaluated: 2021-05-10. Review status: criteria provided, single submitter. Criteria: ACMG Guidelines, 2015. Collection method: clinical testing. Allele origin: germline.

Literature cited by the submitters: PubMed 17576681 (cited by Labcorp Genetics (formerly Invitae), Labcorp); PubMed 9536098 (cited by Labcorp Genetics (formerly Invitae), Labcorp).

NM_000088.4(COL1A1):c.696+6T>C

Gene: COL1A1 (collagen type I alpha 1 chain; minus strand). Cytogenetic location: 17q21.33.
Variant type: single nucleotide variant.
Coding change: c.696+6T>C on transcript NM_000088.4 (MANE Select); 6 bases into the intron after coding-DNA position 696, T replaced by C.
Molecular consequence: intron variant.
Genome position (GRCh38, 1-based): chr17:50,197,726, A>G on the plus strand (T>C on the coding strand, the complement: COL1A1 is on the minus strand). VCF-style: chr17-50197726-A-G. GRCh37 (hg19) VCF-style: chr17-48275087-A-G.
Identifiers: ClinVar variation 489276 (VCV000489276.9), dbSNP rs747108049, ClinGen allele CA8645596.
Genomic context (GRCh38, chr17:50,197,726, plus strand): 5'-AAATTGCAGGACCCAACCCATGGAGGCCATGGGGTCAGATGGTATCTTCTTGCTGGGGAT[A>G]CTTACATCATCTCCATTCTTTCCAGGGGGACCTGGGGGACCTCGGGGACCCATGGGACCC-3'